The following is an entry in ClinVar:

NM_022132.5(MCCC2):c.637A>G (p.Met213Val)

Gene: MCCC2 (methylcrotonyl-CoA carboxylase subunit 2; plus strand). Cytogenetic location: 5q13.2.
Variant type: single nucleotide variant.
Coding change: c.637A>G on transcript NM_022132.5 (MANE Select); coding-DNA position 637, A replaced by G.
Protein change: p.Met213Val; replaces methionine 213 with valine.
Molecular consequence: missense variant. On other transcripts: intron variant (1).
Genome position (GRCh38, 1-based): chr5:71,626,652, A>G. VCF-style: chr5-71626652-A-G. GRCh37 (hg19) VCF-style: chr5-70922479-A-G.
Other names: c.625-5469A>G (NM_001363147.1); short protein forms M213V.
Identifiers: ClinVar variation 947571 (VCV000947571.7), dbSNP rs769875413, ClinGen allele CA3297832.

ClinVar aggregate classification (germline): Uncertain significance (1 of 4 stars; one submission).

Conditions:
3-methylcrotonyl-CoA carboxylase 2 deficiency. Also called: METHYLCROTONYLGLYCINURIA, TYPE II; 3 alpha methylcrotonyl-CoA carboxylase 2 deficiency; 3 alpha methylcrotonylglycinuria 2; MCC 2 deficiency; Methylcrotonylglycinuria type 2. Identifiers: Orphanet 6, MedGen C1859499, MONDO:0008862, OMIM 210210.

Allele frequency attached by ClinVar (database versions not stated): gnomAD exomes 0.00002 and 0.00003; ExAC 0.00003.
gnomAD v4.1: 9 of 1,614,046 alleles (0.00056%); highest among the groups gnomAD compares: Admixed American, 0.013%; no homozygotes.

Submission:

Labcorp Genetics (formerly Invitae), Labcorp
Classification: Uncertain significance for 3-methylcrotonyl-CoA carboxylase 2 deficiency. Last evaluated: 2022-07-19. Review status: criteria provided, single submitter. Criteria: Invitae Variant Classification Sherloc (09022015). Collection method: clinical testing. Allele origin: germline.
Comment: This sequence change replaces methionine, which is neutral and non-polar, with valine, which is neutral and non-polar, at codon 213 of the MCCC2 protein (p.Met213Val). This variant is present in population databases (rs769875413, gnomAD 0.02%). This variant has not been reported in the literature in individuals affected with MCCC2-related conditions. ClinVar contains an entry for this variant (Variation ID: 947571). Advanced modeling of protein sequence and biophysical properties (such as structural, functional, and spatial information, amino acid conservation, physicochemical variation, residue mobility, and thermodynamic stability) performed at Invitae indicates that this missense variant is expected to disrupt MCCC2 protein function. In summary, the available evidence is currently insufficient to determine the role of this variant in disease. Therefore, it has been classified as a Variant of Uncertain Significance.